The following is an entry in ClinVar:

ClinVar aggregate classification (germline): Uncertain significance. Review status: criteria provided, multiple submitters, no conflicts (2 of 4 stars). 2 submissions from 2 submitters: Uncertain significance (2). Last evaluated 2024-02-29.

Conditions:
Hypertrophic cardiomyopathy. Also called: HYPERTROPHIC MYOCARDIOPATHY. Identifiers: Orphanet 217569, MedGen C0007194, MeSH D002312, MONDO:0005045, HP:0001639.

Submissions (2):

Labcorp Genetics (formerly Invitae), Labcorp
Classification: Uncertain significance for Hypertrophic cardiomyopathy. Last evaluated: 2024-02-29. Review status: criteria provided, single submitter. Criteria: Invitae Variant Classification Sherloc (09022015). Collection method: clinical testing. Allele origin: germline.
Comment: This sequence change replaces asparagine, which is neutral and polar, with serine, which is neutral and polar, at codon 361 of the MYH7 protein (p.Asn361Ser). This variant is not present in population databases (gnomAD no frequency). This variant has not been reported in the literature in individuals affected with MYH7-related conditions. ClinVar contains an entry for this variant (Variation ID: 2433939). Advanced modeling of protein sequence and biophysical properties (such as structural, functional, and spatial information, amino acid conservation, physicochemical variation, residue mobility, and thermodynamic stability) performed at Invitae indicates that this missense variant is expected to disrupt MYH7 protein function with a positive predictive value of 95%. In summary, the available evidence is currently insufficient to determine the role of this variant in disease. Therefore, it has been classified as a Variant of Uncertain Significance.

Revvity Omics, Revvity
Classification: Uncertain significance. Last evaluated: 2022-05-12. Review status: criteria provided, single submitter. Criteria: ACMG Guidelines, 2015. Collection method: clinical testing. Allele origin: germline.

NM_000257.4(MYH7):c.1082A>G (p.Asn361Ser)

Gene: MYH7 (myosin heavy chain 7; minus strand). Cytogenetic location: 14q11.2.
Variant type: single nucleotide variant.
Coding change: c.1082A>G on transcript NM_000257.4 (MANE Select); coding-DNA position 1082, A replaced by G.
Protein change: p.Asn361Ser; replaces asparagine 361 with serine.
Molecular consequence: missense variant.
Genome position (GRCh38, 1-based): chr14:23,429,831, T>C on the plus strand (A>G on the coding strand, the complement: MYH7 is on the minus strand). VCF-style: chr14-23429831-T-C. GRCh37 (hg19) VCF-style: chr14-23899040-T-C.
Other names: c.1082A>G, p.Asn361Ser (NM_001407004.1); short protein forms N361S.
Identifiers: ClinVar variation 2433939 (VCV002433939.5), dbSNP rs2502305420, ClinGen allele CA389051398.